The following is an entry in ClinVar:

NM_145728.3(SYNM):c.1910C>T (p.Thr637Ile)

Gene: SYNM (synemin; plus strand). Cytogenetic location: 15q26.3.
Variant type: single nucleotide variant.
Coding change: c.1910C>T on transcript NM_145728.3 (MANE Select); coding-DNA position 1910, C replaced by T.
Protein change: p.Thr637Ile; replaces threonine 637 with isoleucine.
Molecular consequence: missense variant.
Genome position (GRCh38, 1-based): chr15:99,130,270, C>T. VCF-style: chr15-99130270-C-T. GRCh37 (hg19) VCF-style: chr15-99670475-C-T.
Other names: c.1910C>T, p.Thr637Ile (NM_015286.6); short protein forms T637I.
Identifiers: ClinVar variation 3032040 (VCV003032040.1), dbSNP rs2543113595, ClinGen allele CA393658759.
Genomic context (GRCh38, chr15:99,130,270, plus strand): 5'-GGTTCAGGTTGGGCACCAGTGATGCCACTGGTTCTCTGCAAGGCGATTCCATGACAGAAA[C>T]CGTAGCAGAAAACATCGTTACCAGTATCCTGAAGCAGTTCACTCAGTCTCCAGAGACAGA-3'
Protein context (NP_663780.2, residues 627-647): GSLQGDSMTE[Thr637Ile]VAENIVTSIL

ClinVar aggregate classification (germline): Likely benign (1 of 4 stars; one submission).

Conditions:
SYNM-related disorder. Also called: SYNM-related condition.

Submission:

PreventionGenetics, part of Exact Sciences
Classification: Likely benign for SYNM-related condition. Last evaluated: 2021-01-21. Review status: criteria provided, single submitter. Criteria: ACMG Guidelines, 2015. Collection method: clinical testing. Allele origin: germline.
Comment: This variant is classified as likely benign based on ACMG/AMP sequence variant interpretation guidelines (Richards et al. 2015 PMID: 25741868, with internal and published modifications).